The following is an entry in ClinVar:

ClinVar aggregate classification (germline): Uncertain significance (1 of 4 stars; one submission).

gnomAD v4.1: 4 of 1,601,536 alleles (0.00025%); highest among the groups gnomAD compares: Admixed American, 0.0017%; no homozygotes.

Submission:

GeneDx
Classification: Uncertain significance. Last evaluated: 2026-09-04. Review status: criteria provided, single submitter. Criteria: GeneDx Variant Classification Process June 2021. Collection method: clinical testing. Allele origin: germline.
Comment: Not observed at significant frequency in large population cohorts (gnomAD); In silico analysis supports that this missense variant has a deleterious effect on protein structure/function; Has not been previously published as pathogenic or benign to our knowledge

NM_003922.4(HERC1):c.5486A>G (p.Tyr1829Cys)

Gene: HERC1 (HECT and RLD domain containing E3 ubiquitin protein ligase family member 1; minus strand). Cytogenetic location: 15q22.31.
Variant type: single nucleotide variant.
Coding change: c.5486A>G on transcript NM_003922.4 (MANE Select); coding-DNA position 5486, A replaced by G.
Protein change: p.Tyr1829Cys; replaces tyrosine 1829 with cysteine.
Molecular consequence: missense variant.
Genome position (GRCh38, 1-based): chr15:63,694,152, T>C on the plus strand (A>G on the coding strand, the complement: HERC1 is on the minus strand). VCF-style: chr15-63694152-T-C. GRCh37 (hg19) VCF-style: chr15-63986351-T-C.
Other names: short protein forms Y1829C.
Identifiers: ClinVar variation 3360357 (VCV003360357.2).